The following is an entry in ClinVar:

ClinVar aggregate classification (germline): Pathogenic/Likely pathogenic. Review status: criteria provided, multiple submitters, no conflicts (2 of 4 stars). 11 submissions from 11 submitters: Pathogenic (7); Likely pathogenic (1). 3 of the submissions do not count toward it. Last evaluated 2025-12-26.

Conditions:
RASopathy. Also called: rasopathies; Noonan spectrum disorder. Identifiers: Orphanet 536391, MedGen C5555857, MONDO:0021060.
Ventricular hypertrophy. Identifiers: MedGen C0340279, HP:0001714.
Neonatal respiratory distress. Identifiers: MedGen C4281993, HP:0002643.
Ventricular septal defect. Identifiers: MedGen C0018818, MONDO:0002070, HP:0001629.
High forehead. Identifiers: MedGen C0239676, HP:0000348.
Low-set, posteriorly rotated ears. Identifiers: MedGen C1857486.
Wide intermamillary distance. Identifiers: MedGen C1827524, HP:0006610.
Downslanted palpebral fissures. Identifiers: MedGen C0423110, HP:0000494.
Premature birth. Identifiers: MedGen C0151526, HP:0001622.
Webbed neck. Also called: webbing of neck. Identifiers: MedGen C0221217, HP:0000465.
Pulmonic stenosis. Also called: Pulmonic stenosis (disease). Identifiers: Orphanet 3189, MedGen C1956257, MONDO:0009938, OMIM 265500, HP:0001642.
Familial cardiofaciocutaneous syndrome.
Cardio-facio-cutaneous syndrome. Also called: Cardiofaciocutaneous syndrome; CFC syndrome. Identifiers: Orphanet 1340, MedGen C1275081, MONDO:0015280. Disease mechanism: gain of function.
Cardiofaciocutaneous syndrome 1 (CFC1). Also called: BRAF-Related Cardiofaciocutaneous Syndrome. Identifiers: Orphanet 1340, MedGen CN029449, MONDO:0007265, OMIM 115150. Disease mechanism: gain of function.

Submissions (11):

Dasa
Classification: Pathogenic. Last evaluated: 2025-12-26. Review status: criteria provided, single submitter. Criteria: DASA Assertion Criteria. Collection method: clinical testing. Allele origin: germline.
Comment: NM_004333.6(BRAF):c.1502A>G (p.Glu501Gly) is a missense variant that results in the substitution of glutamic acid with glycine. The affected residue or protein region has prior evidence supporting clinical relevance. De novo occurrence has been reported in an individual with related phenotype. Functional evidence supports a deleterious effect on the gene or gene product (PMID: 16474404; PMID: 16439621; PMID: 40204880; PMID: 17483702). This variant has been recurrently observed in individuals with related phenotype (PMID: 16474404; PMID: 16439621; PMID: 40204880; PMID: 17483702). Multiple computational predictions support a deleterious effect on the gene or gene product. The variant is present at low frequency in population datasets. Based on the available data, this variant is classified as pathogenic.

3billion
Classification: Pathogenic for Cardiofaciocutaneous syndrome 1. Last evaluated: 2025-10-27. Review status: criteria provided, single submitter. Criteria: ACMG Guidelines, 2015. Collection method: clinical testing. Allele origin: germline. Affected: yes.
Comment: The variant is not observed in the gnomAD v4.1.0 dataset. Predicted Consequence/Location: Missense variant. Missense changes are a common disease-causing mechanism. In silico tool predictions suggest damaging effect of the variant on gene or gene product [REVEL: 0.99 (>=0.6, sensitivity 0.68 and specificity 0.92); 3Cnet: 0.99 (> 0.75, sensitivity 0.96 and precision 0.92)]. The same nucleotide change resulting in the same amino acid change has been previously reported as pathogenic/likely pathogenic with strong evidence (ClinVar ID: VCV000013978 /PMID: 16474404 /3billion dataset). The variant has been previously reported as de novo in at least two similarly affected unrelated individuals (PMID: 16474404, 17366577, 17704260). The variant has been observed in multiple (>3) similarly affected unrelated individuals (PMID: 16474404, 17366577, 17704260). Different missense changes at the same codon (p.Glu501Ala, p.Glu501Gln, p.Glu501Lys, p.Glu501Val) have been reported as pathogenic/likely pathogenic with strong evidence (ClinVar ID: VCV000013977, VCV000040373, VCV000040374, VCV000044807 /PMID: 16474404, 17704260, 25463315 /3billion dataset). Therefore, this variant is classified as Pathogenic according to the recommendation of ACMG/AMP guideline.

Labcorp Genetics (formerly Invitae), Labcorp
Classification: Pathogenic for RASopathy. Last evaluated: 2024-10-25. Review status: criteria provided, single submitter. Criteria: Invitae Variant Classification Sherloc (09022015). Collection method: clinical testing. Allele origin: germline.
Comment: This sequence change replaces glutamic acid, which is acidic and polar, with glycine, which is neutral and non-polar, at codon 501 of the BRAF protein (p.Glu501Gly). This variant is not present in population databases (gnomAD no frequency). This missense change has been observed in individual(s) with cardio-facio-cutaneous syndrome (PMID: 16439621, 16474404, 17483702). In at least one individual the variant was observed to be de novo. ClinVar contains an entry for this variant (Variation ID: 13978). Invitae Evidence Modeling incorporating data from in vitro experimental studies (internal data) indicates that this missense variant is not expected to disrupt BRAF function with a negative predictive value of 95%. This variant disrupts the p.Glu501 amino acid residue in BRAF. Other variant(s) that disrupt this residue have been determined to be pathogenic (PMID: 19206169, 20186801, 25463315). This suggests that this residue is clinically significant, and that variants that disrupt this residue are likely to be disease-causing. For these reasons, this variant has been classified as Pathogenic.

Division of Genetic & Genomic Pathology, Hong Kong Children's Hospital
Classification: Pathogenic for RASopathy. Last evaluated: 2024-06-19. Review status: criteria provided, single submitter. Criteria: ACMG Guidelines, 2015. Collection method: clinical testing. Allele origin: germline. Affected: yes.
Comment: The missense variant BRAF c.1502A>G p.(Glu501Gly) is located in exon 12 (out of 18 exons). The variant is absent in the population databases (gnomAD v.2.1.1 and v4.1.0). It is deposited in ClinVar as pathogenic/likely pathogenic (accession no. VCV000013978.20), and has been reported in multiple patients with cardiofaciocutaneous syndrome (PMID: 17366577, 25463315, 30732632, 35024745, 37697378). For these reasons, this variant is classified as pathogenic.

GeneDx
Classification: Pathogenic. Last evaluated: 2022-09-07. Review status: criteria provided, single submitter. Criteria: GeneDx Variant Classification Process June 2021. Collection method: clinical testing. Allele origin: germline. Affected: yes.
Comment: Not observed at significant frequency in large population cohorts (gnomAD); In silico analysis supports that this missense variant has a deleterious effect on protein structure/function; Missense variants in this gene are often considered pathogenic (HGMD); This variant is associated with the following publications: (PMID: 23093928, 16439621, 18413255, 17366577, 16474404, 24803665, 32959227, 30732632, 30141192, 30094826, 17704260, 17483702)

Molecular Diagnostics Lab, Nemours Children's Health, Delaware
Classification: Pathogenic. Last evaluated: 2015-07-23. Review status: criteria provided, single submitter. Criteria: ACMG Guidelines, 2015. Collection method: clinical testing. Allele origin: de novo. Affected: yes. Observed: 1 variant allele.

Centre for Mendelian Genomics, University Medical Centre Ljubljana
Classification: Likely pathogenic for Downslanted palpebral fissures; High forehead; Posteriorly rotated ears; Neonatal respiratory distress; Premature birth; Pulmonic stenosis; Ventricular hypertrophy; Ventricular septal defect; Webbed neck; Wide intermamillary distance. Last evaluated: 2014-10-08. Review status: criteria provided, single submitter. Criteria: ACMG Guidelines, 2015. Collection method: clinical testing. Allele origin: unknown. Affected: yes.

Laboratory for Molecular Medicine, Mass General Brigham Personalized Medicine
Classification: Pathogenic for Cardio-facio-cutaneous syndrome. Last evaluated: 2011-11-21. Review status: criteria provided, single submitter. Criteria: LMM Criteria. Collection method: clinical testing. Allele origin: germline. Observed: 1 variant allele.
Comment: The Glu501Gly variant has been reported in at least 7 individuals with clinical features of Cardio-facio-cutaneous syndrome and was absent from 280 control chro mosomes (Niihori 2006, Rodriguez-Viciana 2006, Narumi 2007, Rodriguez-Viciana 20 08). In addition, this variant was reported to have occurred de novo in two indi viduals, supporting a pathogenic role. Furthermore, glutamic acid (Glu) at posi tion 501 is highly conserved across evolutionarily distant species into C. elega ns and computational analyses (AlignGVGD, PolyPhen2, SIFT) predict that a change to a glycine (Gly) at this position may impact the protein. Based on this info rmation, this variant is highly likely to be pathogenic. The presence of a heter ozygous pathogenic variant in BRAF is consistent with a diagnosis of Cardio-faci o-cutaneous syndrome but this information should be reconciled with the complete clinical history of this individual.

Natera, Inc.
Classification: Pathogenic for Familial cardiofaciocutaneous syndrome. Last evaluated: 2020-09-16. Review status: no assertion criteria provided. Collection method: clinical testing. Allele origin: germline. Not counted in ClinVar's aggregate classification.

OMIM
Classification: Pathogenic for CARDIOFACIOCUTANEOUS SYNDROME 1. Last evaluated: 2006-03-01. Review status: no assertion criteria provided. Collection method: literature only. Allele origin: germline. Not counted in ClinVar's aggregate classification.

Institute of Molecular Pathology and Immunology of the University of Porto (IPATIMUP)
No classification provided. Condition: Cardio-facio-cutaneous syndrome. Review status: no classification provided. Collection method: not provided. Allele origin: germline. Not counted in ClinVar's aggregate classification.

Literature cited by the submitters: PubMed 16474404 (cited by 6 submitters); PubMed 16439621 (cited by 4 submitters); PubMed 40204880 (cited by Dasa); PubMed 17483702 (cited by Dasa and Labcorp Genetics (formerly Invitae), Labcorp); PubMed 17704260 (cited by 3billion and Molecular Diagnostics Lab, Nemours Children's Health, Delaware); PubMed 17366577 (cited by 4 submitters); PubMed 19206169 (cited by Labcorp Genetics (formerly Invitae), Labcorp); PubMed 20186801 (cited by Labcorp Genetics (formerly Invitae), Labcorp); PubMed 25463315 (cited by Labcorp Genetics (formerly Invitae), Labcorp and Division of Genetic & Genomic Pathology, Hong Kong Children's Hospital); PubMed 30732632 (cited by Division of Genetic & Genomic Pathology, Hong Kong Children's Hospital); PubMed 35024745 (cited by Division of Genetic & Genomic Pathology, Hong Kong Children's Hospital); PubMed 37697378 (cited by Division of Genetic & Genomic Pathology, Hong Kong Children's Hospital); PubMed 18413255 (cited by Molecular Diagnostics Lab, Nemours Children's Health, Delaware and Laboratory for Molecular Medicine, Mass General Brigham Personalized Medicine).

NM_004333.6(BRAF):c.1502A>G (p.Glu501Gly)

Gene: BRAF (B-Raf proto-oncogene, serine/threonine kinase; minus strand). Cytogenetic location: 7q34.
Variant type: single nucleotide variant.
Coding change: c.1502A>G on transcript NM_004333.6 (MANE Select); coding-DNA position 1502, A replaced by G.
Protein change: p.Glu501Gly; replaces glutamic acid 501 with glycine.
Molecular consequence: missense variant.
Genome position (GRCh38, 1-based): chr7:140,778,006, T>C on the plus strand (A>G on the coding strand, the complement: BRAF is on the minus strand). VCF-style: chr7-140778006-T-C. GRCh37 (hg19) VCF-style: chr7-140477806-T-C.
Other names: p.E501G:GAA>GGA; c.1502A>G, p.Glu501Gly (NM_001354609.2, NM_001378468.1, NM_001378474.1); c.1622A>G, p.Glu541Gly (NM_001374244.1, NM_001374258.1); c.1511A>G, p.Glu504Gly (NM_001378467.1); c.1436A>G, p.Glu479Gly (NM_001378469.1); c.1400A>G, p.Glu467Gly (NM_001378470.1); c.1391A>G, p.Glu464Gly (NM_001378471.1); c.1346A>G, p.Glu449Gly (NM_001378472.1, NM_001378473.1); and 1 more; short protein forms E501G, E467G, E504G, E464G, E479G, E413G, E449G, E541G.
Identifiers: ClinVar variation 13978 (VCV000013978.26), dbSNP rs180177039, ClinGen allele CA279974.